The following is an entry in ClinVar:

ClinVar aggregate classification (germline): Pathogenic (1 of 4 stars; one submission).

Conditions:
Periodontitis, aggressive. Identifiers: MedGen C0031106, MONDO:0980757.
Papillon-Lefèvre syndrome (PALS). Also called: KERATOSIS PALMOPLANTARIS WITH PERIODONTOPATHIA; Papillon-Lefevre Disease. Identifiers: Orphanet 678, MedGen C0030360, MONDO:0009490, OMIM 245000.
Haim-Munk syndrome (HMS). Also called: COCHIN JEWISH DISORDER; KERATOSIS PALMOPLANTARIS WITH PERIODONTOPATHIA AND ONYCHOGRYPOSIS. Identifiers: Orphanet 2342, MedGen C1855627, MONDO:0009491, OMIM 245010.

Allele frequency attached by ClinVar (database versions not stated): gnomAD exomes 0.00001.
gnomAD v4.1: 3 of 1,614,176 alleles (0.00019%); highest among the groups gnomAD compares: Admixed American, 0.0017%; no homozygotes.

Submission:

Labcorp Genetics (formerly Invitae), Labcorp
Classification: Pathogenic for Haim-Munk syndrome; Periodontitis, aggressive; Papillon-Lefèvre syndrome. Last evaluated: 2023-06-03. Review status: criteria provided, single submitter. Criteria: Invitae Variant Classification Sherloc (09022015). Collection method: clinical testing. Allele origin: germline.
Comment: For these reasons, this variant has been classified as Pathogenic. ClinVar contains an entry for this variant (Variation ID: 2152122). This premature translational stop signal has been observed in individual(s) with Papillon-Lefevre syndrome (PMID: 29410039). This variant is not present in population databases (gnomAD no frequency). This sequence change creates a premature translational stop signal (p.Trp134*) in the CTSC gene. It is expected to result in an absent or disrupted protein product. Loss-of-function variants in CTSC are known to be pathogenic (PMID: 10662808, 11106356, 11886537).

Literature cited by the submitters: PubMed 29410039; PubMed 10662808; PubMed 11106356; PubMed 11886537.

NM_001814.6(CTSC):c.401G>A (p.Trp134Ter)

Gene: CTSC (cathepsin C; minus strand). Cytogenetic location: 11q14.2.
Variant type: single nucleotide variant.
Coding change: c.401G>A on transcript NM_001814.6 (MANE Select); coding-DNA position 401, G replaced by A.
Protein change: p.Trp134Ter; replaces tryptophan 134 with a stop codon.
Molecular consequence: nonsense.
Genome position (GRCh38, 1-based): chr11:88,312,472, C>T on the plus strand (G>A on the coding strand, the complement: CTSC is on the minus strand). VCF-style: chr11-88312472-C-T. GRCh37 (hg19) VCF-style: chr11-88045640-C-T.
Other names: short protein forms W134*.
Identifiers: ClinVar variation 2152122 (VCV002152122.4), dbSNP rs1937786065, ClinGen allele CA382026612.
Genomic context (GRCh38, chr11:88,312,472, plus strand): 5'-GCTATGTTGACATACACATTCTCAGAGGCAGTTCCCACCTTCTTTCCGGTGAAACAAGCC[C>T]AGTTCCGGCCCAACACATCATGCACCCACCCAGTCATTGTCTCGTTGCAGTAAGTGGTCA-3'